The following is an entry in ClinVar:

ClinVar aggregate classification (germline): Uncertain significance (1 of 4 stars; one submission).

Conditions:
Fanconi anemia (FA). Also called: Fanconi's anemia. Identifiers: Orphanet 84, MedGen C0015625, MeSH D005199, MONDO:0019391.

Allele frequency attached by ClinVar (database versions not stated): gnomAD exomes below 0.00001.
gnomAD v4.1: 3 of 1,614,134 alleles (0.00019%); highest among the groups gnomAD compares: Non-Finnish European, 0.00025%; no homozygotes.

Submission:

Labcorp Genetics (formerly Invitae), Labcorp
Classification: Uncertain significance for Fanconi anemia. Last evaluated: 2021-05-25. Review status: criteria provided, single submitter. Criteria: Invitae Variant Classification Sherloc (09022015). Collection method: clinical testing. Allele origin: germline.
Comment: In summary, the available evidence is currently insufficient to determine the role of this variant in disease. Therefore, it has been classified as a Variant of Uncertain Significance. Algorithms developed to predict the effect of missense changes on protein structure and function (SIFT, PolyPhen-2, Align-GVGD) all suggest that this variant is likely to be disruptive, but these predictions have not been confirmed by published functional studies and their clinical significance is uncertain. This variant has not been reported in the literature in individuals with FANCG-related conditions. This variant is not present in population databases (ExAC no frequency). This sequence change replaces proline with alanine at codon 545 of the FANCG protein (p.Pro545Ala). The proline residue is highly conserved and there is a small physicochemical difference between proline and alanine.

NM_004629.2(FANCG):c.1633C>G (p.Pro545Ala)

Gene: FANCG (FA complementation group G; minus strand). Cytogenetic location: 9p13.3.
Variant type: single nucleotide variant.
Coding change: c.1633C>G on transcript NM_004629.2 (MANE Select); coding-DNA position 1633, C replaced by G.
Protein change: p.Pro545Ala; replaces proline 545 with alanine.
Molecular consequence: missense variant.
Genome position (GRCh38, 1-based): chr9:35,074,930, G>C on the plus strand (C>G on the coding strand, the complement: FANCG is on the minus strand). VCF-style: chr9-35074930-G-C. GRCh37 (hg19) VCF-style: chr9-35074927-G-C.
Other names: short protein forms P545A.
Identifiers: ClinVar variation 1353230 (VCV001353230.8), dbSNP rs1315654777, ClinGen allele CA373303218.